The following is an entry in ClinVar:

ClinVar aggregate classification (germline): Uncertain significance (1 of 4 stars; one submission).

Conditions:
Sulfite oxidase deficiency due to molybdenum cofactor deficiency type C. Also called: Molybdenum cofactor deficiency, complementation group C; Molybdenum cofactor deficiency C. Identifiers: Orphanet 308400, Orphanet 833, MedGen C1854990, MONDO:0014212, OMIM 615501.

gnomAD v4.1: 1 of 1,570,434 alleles (0.000064%); highest among the groups gnomAD compares: Non-Finnish European, 0.000088%; no homozygotes.

Submission:

Labcorp Genetics (formerly Invitae), Labcorp
Classification: Uncertain significance for Sulfite oxidase deficiency due to molybdenum cofactor deficiency type C. Last evaluated: 2021-02-01. Review status: criteria provided, single submitter. Criteria: Invitae Variant Classification Sherloc (09022015). Collection method: clinical testing. Allele origin: germline.
Comment: This variant has not been reported in the literature in individuals with GPHN-related conditions. This variant is not present in population databases (ExAC no frequency). This sequence change replaces isoleucine with threonine at codon 53 of the GPHN protein (p.Ile53Thr). The isoleucine residue is moderately conserved and there is a moderate physicochemical difference between isoleucine and threonine. Algorithms developed to predict the effect of missense changes on protein structure and function are either unavailable or do not agree on the potential impact of this missense change (SIFT: "Tolerated"; PolyPhen-2: "Probably Damaging"; Align-GVGD: "Class C0"). In summary, the available evidence is currently insufficient to determine the role of this variant in disease. Therefore, it has been classified as a Variant of Uncertain Significance.

NM_020806.5(GPHN):c.158T>C (p.Ile53Thr)

Gene: GPHN (gephyrin; plus strand). Cytogenetic location: 14q23.3.
Variant type: single nucleotide variant.
Coding change: c.158T>C on transcript NM_020806.5 (MANE Select); coding-DNA position 158, T replaced by C.
Protein change: p.Ile53Thr; replaces isoleucine 53 with threonine.
Molecular consequence: missense variant.
Genome position (GRCh38, 1-based): chr14:66,776,478, T>C. VCF-style: chr14-66776478-T-C. GRCh37 (hg19) VCF-style: chr14-67243196-T-C.
Other names: c.158T>C, p.Ile53Thr (NM_001024218.2, NM_001377514.1, NM_001377515.1 and 4 more transcripts); short protein forms I53T.
Identifiers: ClinVar variation 1506380 (VCV001506380.8), dbSNP rs2153461197, ClinGen allele CA390255200.